The following is an entry in ClinVar:

ClinVar aggregate classification (germline): Pathogenic (1 of 4 stars; one submission).

Conditions:
Cerebral cavernous malformation (CCM). Also called: CAVERNOUS ANGIOMA, FAMILIAL; CAVERNOUS ANGIOMATOUS MALFORMATIONS; CEREBRAL CAPILLARY MALFORMATIONS; Cavernous Hemangioma of Brain; Cerebral cavernous malformations; Cerebral cavernous hemangioma (type). Identifiers: Orphanet 221061, MedGen C2919945, MONDO:0000820, OMIM 116860, HP:0033522.

Submission:

Institute of Human Genetics, University of Leipzig Medical Center
Classification: Pathogenic for Cerebral cavernous malformation. Last evaluated: 2024-08-07. Review status: criteria provided, single submitter. Criteria: ACMG Guidelines, 2015. Collection method: clinical testing. Allele origin: unknown. Inheritance: Autosomal dominant inheritance. Affected: yes.
Comment: Criteria applied: PVS1,PM2

NM_194454.3(KRIT1):c.158del (p.Leu53fs)

Gene: KRIT1 (KRIT1 ankyrin repeat containing; minus strand). Cytogenetic location: 7q21.2.
Variant type: Deletion.
Coding change: c.158del on transcript NM_194454.3 (MANE Select); coding-DNA position 158, one base deleted (T; older notation c.158delT).
Protein change: p.Leu53fs; shifts the reading frame from leucine 53.
Molecular consequence: frameshift variant. On other transcripts: 5 prime UTR variant (1).
Genome position (GRCh38, 1-based): chr7:92,241,097, A deleted on the plus strand (T on the coding strand, the reverse complement: KRIT1 is on the minus strand); the first of 4 consecutive A bases (chr7:92,241,097-92,241,100); deleting any one gives the same sequence. VCF-style (leftmost placement, unchanged base first): chr7-92241096-TA-T. GRCh37 (hg19) VCF-style: chr7-91870410-TA-T.
Other names: c.158del, p.Leu53fs (NM_001350680.1, NM_001350681.1, NM_001350682.1 and 29 more transcripts); c.-426del (NM_001350671.1); short protein forms L53fs.
Identifiers: ClinVar variation 3359033 (VCV003359033.2).
Genomic context (GRCh38, chr7:92,241,096, plus strand): 5'-TACTACGTAATCCAATATGCCTTGTGTTATTTCACTGTTGCCTTGAAGTTTCGTTTCCAA[TA>T]AAACTTTCTTTCTCTTTTTTTTCTGTCCTTCAATGGGAACTTCATGCAACAAAATCTTAG-3'